The following is an entry in ClinVar:

ClinVar aggregate classification (germline): Uncertain significance (1 of 4 stars; one submission).

Submission:

GeneDx
Classification: Uncertain significance. Last evaluated: 2024-02-05. Review status: criteria provided, single submitter. Criteria: GeneDx Variant Classification Process June 2021. Collection method: clinical testing. Allele origin: germline. Affected: yes.
Comment: Not observed at significant frequency in large population cohorts (gnomAD); In silico analysis supports that this missense variant has a deleterious effect on protein structure/function; Has not been previously published as pathogenic or benign to our knowledge

NM_021956.5(GRIK2):c.1784G>T (p.Cys595Phe)

Gene: GRIK2 (glutamate ionotropic receptor kainate type subunit 2; plus strand). Cytogenetic location: 6q16.3.
Variant type: single nucleotide variant.
Coding change: c.1784G>T on transcript NM_021956.5 (MANE Select); coding-DNA position 1784, G replaced by T.
Protein change: p.Cys595Phe; replaces cysteine 595 with phenylalanine.
Molecular consequence: missense variant.
Genome position (GRCh38, 1-based): chr6:101,924,636, G>T. VCF-style: chr6-101924636-G-T. GRCh37 (hg19) VCF-style: chr6-102372511-G-T.
Other names: c.1784G>T, p.Cys595Phe (NM_001166247.1, NM_175768.3); short protein forms C595F.
Identifiers: ClinVar variation 3368636 (VCV003368636.1).
Genomic context (GRCh38, chr6:101,924,636, plus strand): 5'-TTCTTTTTTCTGTCAATTACCACAGGTTTAGTCCTTATGAGTGGTATAATCCACACCCTT[G>T]CAACCCTGACTCAGACGTGGTGGAAAACAATTTTACCTTGCTAAATAGTTTCTGGTTTGG-3'
Protein context (NP_068775.1, residues 585-605): SPYEWYNPHP[Cys595Phe]NPDSDVVENN